The following is an entry in ClinVar:

ClinVar aggregate classification (germline): Uncertain significance (1 of 4 stars; one submission).

Submission:

GeneDx
Classification: Uncertain significance. Last evaluated: 2024-05-24. Review status: criteria provided, single submitter. Criteria: GeneDx Variant Classification Process June 2021. Collection method: clinical testing. Allele origin: germline. Affected: yes.
Comment: Not observed at significant frequency in large population cohorts (gnomAD); In silico analysis indicates that this missense variant does not alter protein structure/function; Has not been previously published as pathogenic or benign to our knowledge

NM_017617.5(NOTCH1):c.5155G>C (p.Glu1719Gln)

Gene: NOTCH1 (notch receptor 1; minus strand). Cytogenetic location: 9q34.3.
Variant type: single nucleotide variant.
Coding change: c.5155G>C on transcript NM_017617.5 (MANE Select); coding-DNA position 5155, G replaced by C.
Protein change: p.Glu1719Gln; replaces glutamic acid 1719 with glutamine.
Molecular consequence: missense variant.
Genome position (GRCh38, 1-based): chr9:136,503,194, C>G on the plus strand (G>C on the coding strand, the complement: NOTCH1 is on the minus strand). VCF-style: chr9-136503194-C-G. GRCh37 (hg19) VCF-style: chr9-139397646-C-G.
Other names: short protein forms E1719Q.
Identifiers: ClinVar variation 3381729 (VCV003381729.1).